The following is an entry in ClinVar:

NM_138576.4(BCL11B):c.473C>T (p.Ala158Val)

Gene: BCL11B (BCL11 transcription factor B; minus strand). Cytogenetic location: 14q32.2.
Variant type: single nucleotide variant.
Coding change: c.473C>T on transcript NM_138576.4 (MANE Select); coding-DNA position 473, C replaced by T.
Protein change: p.Ala158Val; replaces alanine 158 with valine.
Molecular consequence: missense variant. On other transcripts: intron variant (2).
Genome position (GRCh38, 1-based): chr14:99,231,512, G>A on the plus strand (C>T on the coding strand, the complement: BCL11B is on the minus strand). VCF-style: chr14-99231512-G-A. GRCh37 (hg19) VCF-style: chr14-99697849-G-A.
Other names: c.470C>T, p.Ala157Val (NM_001282237.2); c.424+25959C>T (NM_001282238.2); c.427+25959C>T (NM_022898.3); short protein forms A157V, A158V.
Identifiers: ClinVar variation 1712805 (VCV001712805.3), dbSNP rs2503834681, ClinGen allele CA390937445.

ClinVar aggregate classification (germline): Conflicting classifications of pathogenicity. Review status: criteria provided, conflicting classifications (1 of 4 stars). 2 submissions from 2 submitters: Uncertain significance (1); Likely benign (1). Last evaluated 2024-09-20.

Conditions:
Intellectual developmental disorder with speech delay, dysmorphic facies, and t-cell abnormalities. Also called: BCL11B-related BAFopathy. Identifiers: Orphanet 662829, MedGen C4748152, MONDO:0060763, OMIM 618092.
Immunodeficiency 49 (IMD49). Also called: IMMUNODEFICIENCY 49, SEVERE COMBINED; SEVERE COMBINED IMMUNODEFICIENCY, T CELL-NEGATIVE, B CELL-POSITIVE, NK CELL-POSITIVE, WITH INTELLECTUAL DISABILITY, SPASTICITY, AND CRANIOFACIAL ABNORMALITIES; SCID, T CELL-NEGATIVE, B CELL-POSITIVE, NK CELL-POSITIVE, WITH INTELLECTUAL DISABILITY, SPASTICITY, AND CRANIOFACIAL ABNORMALITIES. Identifiers: MedGen C4310656, MONDO:0014981, OMIM 617237.

Submissions (2):

3billion
Classification: Likely benign for Immunodeficiency 49; Intellectual developmental disorder with speech delay, dysmorphic facies, and t-cell abnormalities. Last evaluated: 2024-09-20. Review status: criteria provided, single submitter. Criteria: ACMG Guidelines, 2015. Collection method: clinical testing. Allele origin: germline. Affected: no.
Comment: The variant was identified in at least one patient who was diagnosed with a different variant in another gene and showed no symptoms related to the gene containing the variant in question.

GeneDx
Classification: Uncertain significance. Last evaluated: 2022-04-28. Review status: criteria provided, single submitter. Criteria: GeneDx Variant Classification Process June 2021. Collection method: clinical testing. Allele origin: germline. Affected: yes.
Comment: Not observed at significant frequency in large population cohorts (gnomAD); In silico analysis supports that this missense variant does not alter protein structure/function; Has not been previously published as pathogenic or benign to our knowledge.